The following is an entry in ClinVar:

NM_007294.4(BRCA1):c.2355dup (p.Leu786fs)

Gene: BRCA1 (BRCA1 DNA repair associated; minus strand). Cytogenetic location: 17q21.31.
Variant type: Duplication.
Coding change: c.2355dup on transcript NM_007294.4 (MANE Select); coding-DNA position 2355, one base duplicated (A; older notation c.2355dupA).
Protein change: p.Leu786fs; shifts the reading frame from leucine 786.
Molecular consequence: frameshift variant. On other transcripts: intron variant (137).
Genome position (GRCh38, 1-based): chr17:43,093,176, T duplicated on the plus strand (A on the coding strand, the reverse complement: BRCA1 is on the minus strand). VCF-style (leftmost placement, unchanged base first): chr17-43093175-G-GT. GRCh37 (hg19) VCF-style: chr17-41245192-G-GT.
Other names: 2474insA; c.2355dupA (NM_007294.3); c.2022dup, p.Leu675fs (NM_001407947.1, NM_001407948.1, NM_001407949.1 and 6 more transcripts); c.2019dup, p.Leu674fs (NM_001407954.1, NM_001407955.1, NM_001407956.1 and 1 more transcripts); c.1974dup, p.Leu659fs (NM_001407959.1, NM_001407960.1, NM_001407963.1); c.1971dup, p.Leu658fs (NM_001407962.1); c.2211dup, p.Leu738fs (NM_001407964.1, NM_001407740.1, NM_001407741.1 and 20 more transcripts); c.1851dup, p.Leu618fs (NM_001407965.1); and 43 more; short protein forms L739fs, L786fs, L697fs, L698fs, L490fs, L659fs, L738fs, L744fs.
Identifiers: ClinVar variation 125556 (VCV000125556.6), dbSNP rs80357990, ClinGen allele CA001573.

ClinVar aggregate classification (germline): Pathogenic. Review status: reviewed by expert panel (3 of 4 stars). 4 submissions from 4 submitters: Pathogenic (1). 3 of the submissions do not count toward it. Last evaluated 2016-09-08.

Conditions:
Hereditary breast ovarian cancer syndrome. Also called: Hereditary breast and/or ovarian cancer syndrome; Breast and ovarian cancer; Hereditary breast and ovarian cancer syndrome; Hereditary breast and ovarian cancer; Hereditary breast and ovarian cancer syndrome (HBOC); BRCA1- and BRCA2-Associated Hereditary Breast and Ovarian Cancer. Identifiers: Orphanet 145, MedGen C0677776, MeSH D061325, MONDO:0003582. Disease mechanism: loss of function.
Breast-ovarian cancer, familial, susceptibility to, 1 (BROVCA1). Also called: BRCA1 Hereditary Breast and Ovarian Cancer; OVARIAN CANCER, SUSCEPTIBILITY TO. Identifiers: Orphanet 145, MedGen C2676676, MONDO:0011450, OMIM 604370. Disease mechanism: loss of function.

Submissions (4):

Evidence-based Network for the Interpretation of Germline Mutant Alleles (ENIGMA)
Classification: Pathogenic for Breast-ovarian cancer, familial, susceptibility to, 1. Last evaluated: 2016-09-08. Review status: reviewed by expert panel. Criteria: ENIGMA BRCA1/2 Classification Criteria (2015). Collection method: curation. Allele origin: germline.
Comment: Variant allele predicted to encode a truncated non-functional protein.

Women's Health and Genetics/Laboratory Corporation of America, LabCorp
Classification: Pathogenic for Hereditary breast ovarian cancer syndrome. Last evaluated: 2025-10-03. Review status: criteria provided, single submitter. Criteria: LabCorp Variant Classification Summary - May 2015. Collection method: clinical testing. Allele origin: germline. Not counted in ClinVar's aggregate classification.
Comment: Variant summary: BRCA1 c.2355dupA (p.Leu786ThrfsX4) results in a premature termination codon, predicted to cause a truncation of the encoded protein or absence of the protein due to nonsense mediated decay, which are commonly known mechanisms for disease. The variant was absent in 250624 control chromosomes. c.2355dupA has been observed in individual(s) affected with Hereditary Breast And Ovarian Cancer Syndrome (Li_2018). To our knowledge, no experimental evidence demonstrating an impact on protein function has been reported. The following publication has been ascertained in the context of this evaluation (PMID: 30078507). ClinVar contains an entry for this variant (Variation ID: 125556). Based on the evidence outlined above, the variant was classified as pathogenic.

Consortium of Investigators of Modifiers of BRCA1/2 (CIMBA), c/o University of Cambridge
Classification: Pathogenic for Breast-ovarian cancer, familial, susceptibility to, 1. Last evaluated: 2015-10-02. Review status: criteria provided, single submitter. Criteria: CIMBA Mutation Classification guidelines May 2016. Collection method: clinical testing. Allele origin: germline. Not counted in ClinVar's aggregate classification.

Breast Cancer Information Core (BIC) (BRCA1)
Classification: Pathogenic for Breast-ovarian cancer, familial 1. Last evaluated: 1999-04-06. Review status: no assertion criteria provided. Collection method: clinical testing. Allele origin: germline. Affected: yes. Observed: 1 variant allele. Not counted in ClinVar's aggregate classification.

Literature cited by the submitters: PubMed 30078507 (cited by Women's Health and Genetics/Laboratory Corporation of America, LabCorp).